The following is an entry in ClinVar:

ClinVar aggregate classification (germline): Likely benign. Review status: criteria provided, multiple submitters, no conflicts (2 of 4 stars). 3 submissions from 3 submitters: Likely benign (2). 1 of the submissions does not count toward it. Last evaluated 2025-09-16.

Conditions:
PIK3R1-related disorder. Also called: PIK3R1-related condition.
SHORT syndrome. Also called: SHORT STATURE, HYPEREXTENSIBILITY, HERNIA, OCULAR DEPRESSION, RIEGER ANOMALY, AND TEETHING DELAY; LIPODYSTROPHY, PARTIAL, WITH RIEGER ANOMALY AND SHORT STATURE; PIK3R1-Related SHORT Syndrome. Identifiers: Orphanet 3163, MedGen C0878684, MONDO:0010026, OMIM 269880.
Immunodeficiency 36 with lymphoproliferation. Also called: Immunodeficiency 36; Activated PI3K Delta Syndrome Type 2 (APDS2); ACTIVATED PI3K-DELTA SYNDROME 2. Identifiers: Orphanet 397596, Orphanet 693681, MedGen C4014934, MONDO:0014453, OMIM 616005.
Agammaglobulinemia 7, autosomal recessive (AGM7). Also called: AGAMMAGLOBULINEMIA, AUTOSOMAL RECESSIVE, DUE TO PIK3R1 DEFECT. Identifiers: MedGen C3554689, MONDO:0014083, OMIM 615214.

Allele frequency attached by ClinVar (database versions not stated): gnomAD 0.00001; TOPMed 0.00001.
gnomAD v4.1: 56 of 1,613,906 alleles (0.0035%); highest among the groups gnomAD compares: East Asian, 0.051%; no homozygotes.

Submissions (3):

Labcorp Genetics (formerly Invitae), Labcorp
Classification: Likely benign for SHORT syndrome; Immunodeficiency 36 with lymphoproliferation; Agammaglobulinemia 7, autosomal recessive. Last evaluated: 2025-09-16. Review status: criteria provided, single submitter. Criteria: Invitae Variant Classification Sherloc (09022015). Collection method: clinical testing. Allele origin: germline.

Blueprint Genetics
Classification: Likely benign. Last evaluated: 2024-09-03. Review status: criteria provided, single submitter. Criteria: ACMG Guidelines, 2015. Collection method: clinical testing. Allele origin: germline.

PreventionGenetics, part of Exact Sciences
Classification: Likely benign for PIK3R1-related condition. Last evaluated: 2022-05-18. Review status: no assertion criteria provided. Collection method: clinical testing. Allele origin: germline. Not counted in ClinVar's aggregate classification.
Comment: This variant is classified as likely benign based on ACMG/AMP sequence variant interpretation guidelines (Richards et al. 2015 PMID: 25741868, with internal and published modifications).

NM_181523.3(PIK3R1):c.30G>A (p.Ala10=)

Gene: PIK3R1 (phosphoinositide-3-kinase regulatory subunit 1; plus strand). Cytogenetic location: 5q13.1.
Variant type: single nucleotide variant.
Coding change: c.30G>A on transcript NM_181523.3 (MANE Select); coding-DNA position 30, G replaced by A.
Protein change: p.Ala10=; no amino-acid change (alanine 10 retained).
Molecular consequence: synonymous variant.
Genome position (GRCh38, 1-based): chr5:68,226,705, G>A. VCF-style: chr5-68226705-G-A. GRCh37 (hg19) VCF-style: chr5-67522533-G-A.
Other names: c.30G>A (NM_181523.2).
Identifiers: ClinVar variation 2141566 (VCV002141566.7), dbSNP rs750929700, ClinGen allele CA3289923.